The following is an entry in ClinVar:

ClinVar aggregate classification (germline): Pathogenic (1 of 4 stars; one submission).

Submission:

Labcorp Genetics (formerly Invitae), Labcorp
Classification: Pathogenic. Last evaluated: 2022-07-06. Review status: criteria provided, single submitter. Criteria: Invitae Variant Classification Sherloc (09022015). Collection method: clinical testing. Allele origin: germline.
Comment: For these reasons, this variant has been classified as Pathogenic. ClinVar contains an entry for this variant (Variation ID: 944845). This variant has not been reported in the literature in individuals affected with NSD1-related conditions. This variant is not present in population databases (gnomAD no frequency). This sequence change creates a premature translational stop signal (p.Cys1748*) in the NSD1 gene. It is expected to result in an absent or disrupted protein product. Loss-of-function variants in NSD1 are known to be pathogenic (PMID: 12464997, 14571271, 15942875, 16247291).

Literature cited by the submitters: PubMed 12464997; PubMed 14571271; PubMed 15942875; PubMed 16247291.

NM_022455.5(NSD1):c.5243_5244del (p.Asp1747_Cys1748insTer)

Gene: NSD1 (nuclear receptor binding SET domain protein 1; plus strand). Cytogenetic location: 5q35.3.
Variant type: Deletion.
Coding change: c.5243_5244del on transcript NM_022455.5 (MANE Select); coding-DNA positions 5243 to 5244, 2 bases deleted (GT; older notation c.5243_5244delGT).
Protein change: p.Asp1747_Cys1748insTer.
Molecular consequence: nonsense. On other transcripts: frameshift variant (12).
Genome position (GRCh38, 1-based): chr5:177,267,658-177,267,659, GT deleted; deleting any 2 consecutive bases within chr5:177,267,657-177,267,659 gives the same sequence; the c. name uses the placement nearest the transcript's 3' end. VCF-style (leftmost placement, unchanged base first): chr5-177267656-CTG-C. GRCh37 (hg19) VCF-style: chr5-176694657-CTG-C.
Other names: c.4370_4371delGT, p.Cys1457Terfs (NM_001409308.1, NM_001409309.1, NM_172349.5 and 1 more transcripts); c.5243_5244delGT, p.Cys1748Terfs (NM_022455.4, NM_001409301.1, NM_001409302.1 and 1 more transcripts); c.4823_4824delGT, p.Cys1608Terfs (NM_001409304.1); c.4490_4491delGT, p.Cys1497Terfs (NM_001409305.1); c.4481_4482delGT, p.Cys1494Terfs (NM_001409306.1, NM_001409307.1).
Identifiers: ClinVar variation 944845 (VCV000944845.8), dbSNP rs1757602433, ClinGen allele CA1139659259.